The following is an entry in ClinVar:

ClinVar aggregate classification (germline): Uncertain significance (1 of 4 stars; one submission).

gnomAD v4.1: 1 of 1,614,052 alleles (0.000062%); highest among the groups gnomAD compares: Non-Finnish European, 0.000085%; no homozygotes.

Submission:

GeneDx
Classification: Uncertain significance. Last evaluated: 2024-11-06. Review status: criteria provided, single submitter. Criteria: GeneDx Variant Classification Process June 2021. Collection method: clinical testing. Allele origin: germline. Affected: yes.
Comment: Not observed at significant frequency in large population cohorts (gnomAD); In silico analysis indicates that this missense variant does not alter protein structure/function; Has not been previously published as pathogenic or benign to our knowledge.

NM_021224.6(ZNF462):c.6343C>T (p.Pro2115Ser)

Gene: ZNF462 (zinc finger protein 462; plus strand). Cytogenetic location: 9q31.2.
Variant type: single nucleotide variant.
Coding change: c.6343C>T on transcript NM_021224.6 (MANE Select); coding-DNA position 6343, C replaced by T.
Protein change: p.Pro2115Ser; replaces proline 2115 with serine.
Molecular consequence: missense variant.
Genome position (GRCh38, 1-based): chr9:106,939,023, C>T. VCF-style: chr9-106939023-C-T. GRCh37 (hg19) VCF-style: chr9-109701304-C-T.
Other names: c.3748C>T, p.Pro1250Ser (NM_001347997.2); short protein forms P1250S, P2115S.
Identifiers: ClinVar variation 3899165 (VCV003899165.1).